The following is an entry in ClinVar:

NM_006593.4(TBR1):c.177G>A (p.Met59Ile)

Gene: TBR1 (T-box brain transcription factor 1; plus strand). Cytogenetic location: 2q24.2.
Variant type: single nucleotide variant.
Coding change: c.177G>A on transcript NM_006593.4 (MANE Select); coding-DNA position 177, G replaced by A.
Protein change: p.Met59Ile; replaces methionine 59 with isoleucine.
Molecular consequence: missense variant.
Genome position (GRCh38, 1-based): chr2:161,416,587, G>A. VCF-style: chr2-161416587-G-A. GRCh37 (hg19) VCF-style: chr2-162273098-G-A.
Other names: short protein forms M59I.
Identifiers: ClinVar variation 3453780 (VCV003453780.3).

ClinVar aggregate classification (germline): Uncertain significance. Review status: criteria provided, multiple submitters, no conflicts (2 of 4 stars). 2 submissions from 2 submitters: Uncertain significance (2). Last evaluated 2024-11-15.

Conditions:
Inborn genetic diseases. Identifiers: MedGen C0950123, MeSH D030342.

gnomAD v4.1: 14 of 1,614,068 alleles (0.00087%); highest among the groups gnomAD compares: African/African-American, 0.017%; no homozygotes.

Submissions (2):

Dasa
Classification: Uncertain significance. Last evaluated: 2024-11-15. Review status: criteria provided, single submitter. Criteria: DASA Assertion Criteria. Collection method: clinical testing. Allele origin: germline.
Comment: NM_006593.4(TBR1):c.177G>A (p.Met59Ile) is a missense variant that results in the substitution of methionine with isoleucine. This variant is rare in population databases. The currently available literature and clinical evidence are not sufficient to establish a definitive association between this variant and the reported condition. Therefore, this variant is classified as a variant of uncertain significance.

Ambry Genetics
Classification: Uncertain significance for Inborn genetic diseases. Last evaluated: 2024-07-09. Review status: criteria provided, single submitter. Criteria: Ambry Variant Classification Scheme 2023. Collection method: clinical testing. Allele origin: germline.